The following is an entry in ClinVar:

ClinVar aggregate classification (germline): Uncertain significance. Review status: criteria provided, multiple submitters, no conflicts (2 of 4 stars). 2 submissions from 2 submitters: Uncertain significance (2). Last evaluated 2025-06-20.

Conditions:
Inborn genetic diseases. Identifiers: MedGen C0950123, MeSH D030342.
Xanthinuria type II. Also called: Xanthine dehydrogenase and aldehyde oxidase combined deficiency of; XDH and AOX dual deficiency. Identifiers: Orphanet 3467, Orphanet 93602, MedGen C1863688, MONDO:0011346, OMIM 603592.

Allele frequency attached by ClinVar (database versions not stated): TOPMed below 0.00001; ExAC 0.00001; gnomAD exomes 0.00002.
gnomAD v4.1: 26 of 1,614,240 alleles (0.0016%); highest among the groups gnomAD compares: Non-Finnish European, 0.0015%; no homozygotes.

Submissions (2):

Labcorp Genetics (formerly Invitae), Labcorp
Classification: Uncertain significance for Xanthinuria type II. Last evaluated: 2025-06-20. Review status: criteria provided, single submitter. Criteria: Invitae Variant Classification Sherloc (09022015). Collection method: clinical testing. Allele origin: germline.
Comment: This sequence change replaces asparagine, which is neutral and polar, with lysine, which is basic and polar, at codon 602 of the XDH protein (p.Asn602Lys). This variant is present in population databases (rs768959436, gnomAD 0.005%). This variant has not been reported in the literature in individuals affected with XDH-related conditions. ClinVar contains an entry for this variant (Variation ID: 1375888). An algorithm developed to predict the effect of missense changes on protein structure and function (PolyPhen-2) suggests that this variant is likely to be disruptive. In summary, the available evidence is currently insufficient to determine the role of this variant in disease. Therefore, it has been classified as a Variant of Uncertain Significance.

Ambry Genetics
Classification: Uncertain significance for Inborn genetic diseases. Last evaluated: 2025-01-22. Review status: criteria provided, single submitter. Criteria: Ambry Variant Classification Scheme 2023. Collection method: clinical testing. Allele origin: germline.

NM_000379.4(XDH):c.1806T>A (p.Asn602Lys)

Gene: XDH (xanthine dehydrogenase; minus strand). Cytogenetic location: 2p23.1.
Variant type: single nucleotide variant.
Coding change: c.1806T>A on transcript NM_000379.4 (MANE Select); coding-DNA position 1806, T replaced by A.
Protein change: p.Asn602Lys; replaces asparagine 602 with lysine.
Molecular consequence: missense variant.
Genome position (GRCh38, 1-based): chr2:31,372,278, A>T on the plus strand (T>A on the coding strand, the complement: XDH is on the minus strand). VCF-style: chr2-31372278-A-T. GRCh37 (hg19) VCF-style: chr2-31595144-A-T.
Other names: c.1806T>A (NM_000379.3); short protein forms N602K.
Identifiers: ClinVar variation 1375888 (VCV001375888.6), dbSNP rs768959436, ClinGen allele CA1599076.